The following is an entry in ClinVar:

ClinVar aggregate classification (germline): Uncertain significance. Review status: criteria provided, multiple submitters, no conflicts (2 of 4 stars). 2 submissions from 2 submitters: Uncertain significance (2). Last evaluated 2025-11-17.

Conditions:
Familial adenomatous polyposis 1 (FAP1). Also called: POLYPOSIS, ADENOMATOUS INTESTINAL; FAMILIAL ADENOMATOUS POLYPOSIS 1, ATTENUATED. Identifiers: MedGen C2713442, MONDO:0021056, OMIM 175100. Disease mechanism: loss of function.
Hereditary cancer-predisposing syndrome. Also called: Tumor predisposition; Hereditary neoplastic syndrome; Neoplastic Syndromes, Hereditary; Hereditary Cancer Syndrome. Identifiers: Orphanet 140162, MedGen C0027672, MeSH D009386, MONDO:0015356.

Allele frequency attached by ClinVar (database versions not stated): gnomAD exomes below 0.00001; TOPMed 0.00001.
gnomAD v4.1: 2 of 1,607,468 alleles (0.00012%); highest among the groups gnomAD compares: Admixed American, 0.0033%; no homozygotes.

Submissions (2):

Labcorp Genetics (formerly Invitae), Labcorp
Classification: Uncertain significance for Familial adenomatous polyposis 1. Last evaluated: 2025-11-17. Review status: criteria provided, single submitter. Criteria: Invitae Variant Classification Sherloc (09022015). Collection method: clinical testing. Allele origin: germline.
Comment: This sequence change replaces lysine, which is basic and polar, with glutamic acid, which is acidic and polar, at codon 580 of the APC protein (p.Lys580Glu). This variant is present in population databases (no rsID available, gnomAD 0.003%). This variant has not been reported in the literature in individuals affected with APC-related conditions. ClinVar contains an entry for this variant (Variation ID: 951318). Invitae Evidence Modeling of protein sequence and biophysical properties (such as structural, functional, and spatial information, amino acid conservation, physicochemical variation, residue mobility, and thermodynamic stability) indicates that this missense variant is not expected to disrupt APC protein function with a negative predictive value of 95%. In summary, the available evidence is currently insufficient to determine the role of this variant in disease. Therefore, it has been classified as a Variant of Uncertain Significance.

Ambry Genetics
Classification: Uncertain significance for Hereditary cancer-predisposing syndrome. Last evaluated: 2023-12-07. Review status: criteria provided, single submitter. Criteria: Ambry Variant Classification Scheme 2023. Collection method: clinical testing. Allele origin: germline.
Comment: The p.K580E variant (also known as c.1738A>G), located in coding exon 13 of the APC gene, results from an A to G substitution at nucleotide position 1738. The lysine at codon 580 is replaced by glutamic acid, an amino acid with similar properties. This amino acid position is conserved. In addition, in silico predictors for this gene do not accurately predict pathogenicity. Since supporting evidence is limited at this time, the clinical significance of this alteration remains unclear.

NM_000038.6(APC):c.1738A>G (p.Lys580Glu)

Gene: APC (APC regulator of Wnt signaling pathway; plus strand). Cytogenetic location: 5q22.2.
Variant type: single nucleotide variant.
Coding change: c.1738A>G on transcript NM_000038.6 (MANE Select); coding-DNA position 1738, A replaced by G.
Protein change: p.Lys580Glu; replaces lysine 580 with glutamic acid.
Molecular consequence: missense variant.
Genome position (GRCh38, 1-based): chr5:112,828,967, A>G. VCF-style: chr5-112828967-A-G. GRCh37 (hg19) VCF-style: chr5-112164664-A-G.
Other names: c.1738A>G, p.Lys580Glu (NM_001127510.3, NM_001354895.2); c.1684A>G, p.Lys562Glu (NM_001127511.3); c.1792A>G, p.Lys598Glu (NM_001354896.2); c.1768A>G, p.Lys590Glu (NM_001354897.2); c.1663A>G, p.Lys555Glu (NM_001354898.2); c.1654A>G, p.Lys552Glu (NM_001354899.2); c.1615A>G, p.Lys539Glu (NM_001354900.2); c.1561A>G, p.Lys521Glu (NM_001354901.2); and 5 more; short protein forms K539E, K555E, K590E, K420E, K521E, K552E, K562E, K598E.
Identifiers: ClinVar variation 951318 (VCV000951318.10), dbSNP rs1429910910, ClinGen allele CA16025111.